The following is an entry in ClinVar:

ClinVar aggregate classification (germline): Likely benign (0 of 4 stars; one submission).

Conditions:
RYR3-related disorder. Also called: RYR3-related condition.

Allele frequency attached by ClinVar (database versions not stated): TOPMed 0.00003; gnomAD 0.00006; ESP Exome Variant Server 0.00008; gnomAD exomes 0.00011; ExAC 0.00032.
gnomAD v4.1: 159 of 1,605,616 alleles (0.0099%); highest among the groups gnomAD compares: South Asian, 0.14%; 2 homozygotes.

Submissions (2):

PreventionGenetics, part of Exact Sciences
Classification: Likely benign for RYR3-related condition. Last evaluated: 2019-08-14. Review status: no assertion criteria provided. Collection method: clinical testing. Allele origin: germline.
Comment: This variant is classified as likely benign based on ACMG/AMP sequence variant interpretation guidelines (Richards et al. 2015 PMID: 25741868, with internal and published modifications).

Dr. Peter K. Rogan Lab, Western University
No classification provided (evidence only). Condition: Familial prostate cancer. Review status: no classification provided. Collection method: in vitro. Allele origin: not applicable. Functional consequence: retained intron. Not counted in ClinVar's aggregate classification.

NM_001036.6(RYR3):c.273C>T (p.Gly91=)

Gene: RYR3 (ryanodine receptor 3; plus strand). Cytogenetic location: 15q14.
Variant type: single nucleotide variant.
Coding change: c.273C>T on transcript NM_001036.6 (MANE Select); coding-DNA position 273, C replaced by T.
Protein change: p.Gly91=; no amino-acid change (glycine 91 retained).
Molecular consequence: synonymous variant.
Genome position (GRCh38, 1-based): chr15:33,503,732, C>T. VCF-style: chr15-33503732-C-T. GRCh37 (hg19) VCF-style: chr15-33795933-C-T.
Other names: NC_000015.9:g.33795933C>T; c.273C>T, p.Gly91= (NM_001243996.4).
Identifiers: ClinVar variation 3052673 (VCV003052673.3), dbSNP rs375622890, ClinGen allele CA7457741.